The following is an entry in ClinVar:

ClinVar aggregate classification (germline): Uncertain significance (1 of 4 stars; one submission).

Submission:

GeneDx
Classification: Uncertain significance. Last evaluated: 2016-12-12. Review status: criteria provided, single submitter. Criteria: GeneDx Variant Classification (06012015). Collection method: clinical testing. Allele origin: germline. Affected: yes.
Comment: The V664M variant has not been published as a pathogenic variant, nor has it been reported as a benign variant to our knowledge. The variant was not observed in approximately 6,500 individuals of European and African American ancestry in the NHLBI Exome Sequencing Project, indicating it is not a common benign variant in these populations. V664M is a conservative amino acid substitution, which is not likely to impact secondary protein structure as these residues share similar properties. However, this substitution occurs at a position that is conserved across species, and is located in a region that is predicted to be important in the dimerization process (Bae et al., 2010). In silico analysis predicts this variant is probably damaging to the protein structure/function. Therefore, based on the currently available information, it is unclear whether this variant is a pathogenic variant or a rare benign variant.

NM_023110.3(FGFR1):c.1990G>A (p.Val664Met)

Gene: FGFR1 (fibroblast growth factor receptor 1; minus strand). Cytogenetic location: 8p11.23.
Variant type: single nucleotide variant.
Coding change: c.1990G>A on transcript NM_023110.3 (MANE Select); coding-DNA position 1990, G replaced by A.
Protein change: p.Val664Met; replaces valine 664 with methionine.
Molecular consequence: missense variant.
Genome position (GRCh38, 1-based): chr8:38,414,617, C>T on the plus strand (G>A on the coding strand, the complement: FGFR1 is on the minus strand). VCF-style: chr8-38414617-C-T. GRCh37 (hg19) VCF-style: chr8-38272135-C-T.
Other names: c.1984G>A, p.Val662Met (NM_001174063.2, NM_001174065.2, NM_001354367.2 and 1 more transcripts); c.1960G>A, p.Val654Met (NM_001174064.2); c.1723G>A, p.Val575Met (NM_001174066.2, NM_023105.3); c.2083G>A, p.Val695Met (NM_001174067.2); c.1711G>A, p.Val571Met (NM_001354368.2); c.1978G>A, p.Val660Met (NM_001354369.2); c.1717G>A, p.Val573Met (NM_001354370.2, NM_023106.3); short protein forms V664M, V571M, V575M, V654M, V573M, V660M, V662M, V695M.
Identifiers: ClinVar variation 373804 (VCV000373804.1), dbSNP rs1057518620, ClinGen allele CA16042637.